The following is an entry in ClinVar:

NM_000410.4(HFE):c.727A>G (p.Lys243Glu)

Gene: HFE (homeostatic iron regulator; plus strand). Cytogenetic location: 6p22.2.
Variant type: single nucleotide variant.
Coding change: c.727A>G on transcript NM_000410.4 (MANE Select); coding-DNA position 727, A replaced by G.
Protein change: p.Lys243Glu; replaces lysine 243 with glutamic acid.
Molecular consequence: missense variant. On other transcripts: intron variant (1).
Genome position (GRCh38, 1-based): chr6:26,092,795, A>G. VCF-style: chr6-26092795-A-G. GRCh37 (hg19) VCF-style: chr6-26093023-A-G.
Other names: c.727A>G, p.Lys243Glu (NM_001300749.3, NM_001384164.1); c.718A>G, p.Lys240Glu (NM_001406751.1); c.463A>G, p.Lys155Glu (NM_001406752.1, NM_139007.3); c.409A>G, p.Lys137Glu (NM_139003.3); c.451A>G, p.Lys151Glu (NM_139004.3); c.685A>G, p.Lys229Glu (NM_139006.3); c.421A>G, p.Lys141Glu (NM_139008.3); c.658A>G, p.Lys220Glu (NM_139009.3); and 2 more; short protein forms K151E, K220E, K240E, K63E, K141E, K155E, K229E, K137E.
Identifiers: ClinVar variation 2070248 (VCV002070248.2), dbSNP rs767897445, ClinGen allele CA3666725.

ClinVar aggregate classification (germline): Uncertain significance. Review status: criteria provided, multiple submitters, no conflicts (2 of 4 stars). 2 submissions from 2 submitters: Uncertain significance (2). Last evaluated 2023-11-22.

Conditions:
Inborn genetic diseases. Identifiers: MedGen C0950123, MeSH D030342.
Hereditary hemochromatosis (HFE). Identifiers: MedGen C0392514, MONDO:0006507. Disease mechanism: loss of function.

Allele frequency attached by ClinVar (database versions not stated): ExAC 0.00002; gnomAD 0.00002; gnomAD exomes 0.00002; TOPMed 0.00002.
gnomAD v4.1: 15 of 1,614,032 alleles (0.00093%); highest among the groups gnomAD compares: African/African-American, 0.0027%; no homozygotes.

Submissions (2):

Ambry Genetics
Classification: Uncertain significance for Inborn genetic diseases. Last evaluated: 2023-11-22. Review status: criteria provided, single submitter. Criteria: Ambry Variant Classification Scheme 2023. Collection method: clinical testing. Allele origin: germline.

Labcorp Genetics (formerly Invitae), Labcorp
Classification: Uncertain significance for Hereditary hemochromatosis. Last evaluated: 2021-08-20. Review status: criteria provided, single submitter. Criteria: Invitae Variant Classification Sherloc (09022015). Collection method: clinical testing. Allele origin: germline.
Comment: This sequence change replaces lysine with glutamic acid at codon 243 of the HFE protein (p.Lys243Glu). The lysine residue is weakly conserved and there is a small physicochemical difference between lysine and glutamic acid. This variant is present in population databases (rs767897445, ExAC 0.01%). This missense change has been observed in individual(s) with clinical features of hemochromatosis (Invitae). Algorithms developed to predict the effect of missense changes on protein structure and function (SIFT, PolyPhen-2, Align-GVGD) all suggest that this variant is likely to be tolerated. In summary, the available evidence is currently insufficient to determine the role of this variant in disease. Therefore, it has been classified as a Variant of Uncertain Significance.